The following is an entry in ClinVar:

ClinVar aggregate classification (germline): Conflicting classifications of pathogenicity. Review status: criteria provided, conflicting classifications (1 of 4 stars). 3 submissions from 3 submitters: Uncertain significance (2); Likely benign (1). Last evaluated 2026-08-01.

Conditions:
Inborn genetic diseases. Identifiers: MedGen C0950123, MeSH D030342.

Allele frequency attached by ClinVar (database versions not stated): TOPMed 0.00006; gnomAD 0.00007 and 0.00006; ESP Exome Variant Server 0.00008; gnomAD exomes 0.00008 and 0.00001; ExAC 0.00001.
gnomAD v4.1: 137 of 1,614,078 alleles (0.0085%); highest among the groups gnomAD compares: Non-Finnish European, 0.0097%; no homozygotes.

Submissions (3):

CeGaT Center for Human Genetics Tuebingen
Classification: Likely benign. Last evaluated: 2026-08-01. Review status: criteria provided, single submitter. Criteria: CeGaT Center For Human Genetics Tuebingen Variant Classification Criteria Version 2. Collection method: clinical testing. Allele origin: germline. Affected: yes. Observed: 3 variant alleles.
Comment: MTOR: PP3, BS2

Ambry Genetics
Classification: Uncertain significance for Inborn genetic diseases. Last evaluated: 2025-04-09. Review status: criteria provided, single submitter. Criteria: Ambry Variant Classification Scheme 2023. Collection method: clinical testing. Allele origin: germline.

Labcorp Genetics (formerly Invitae), Labcorp
Classification: Uncertain significance. Last evaluated: 2024-12-22. Review status: criteria provided, single submitter. Criteria: Invitae Variant Classification Sherloc (09022015). Collection method: clinical testing. Allele origin: germline.
Comment: This sequence change replaces serine, which is neutral and polar, with asparagine, which is neutral and polar, at codon 1663 of the MTOR protein (p.Ser1663Asn). This variant is present in population databases (rs199682978, gnomAD 0.0009%). This variant has not been reported in the literature in individuals affected with MTOR-related conditions. ClinVar contains an entry for this variant (Variation ID: 1053720). Invitae Evidence Modeling of protein sequence and biophysical properties (such as structural, functional, and spatial information, amino acid conservation, physicochemical variation, residue mobility, and thermodynamic stability) indicates that this missense variant is not expected to disrupt MTOR protein function with a negative predictive value of 95%. In summary, the available evidence is currently insufficient to determine the role of this variant in disease. Therefore, it has been classified as a Variant of Uncertain Significance.

NM_004958.4(MTOR):c.4988G>A (p.Ser1663Asn)

Gene: MTOR (mechanistic target of rapamycin kinase; minus strand). Cytogenetic location: 1p36.22.
Variant type: single nucleotide variant.
Coding change: c.4988G>A on transcript NM_004958.4 (MANE Select); coding-DNA position 4988, G replaced by A.
Protein change: p.Ser1663Asn; replaces serine 1663 with asparagine.
Molecular consequence: missense variant.
Genome position (GRCh38, 1-based): chr1:11,139,543, C>T on the plus strand (G>A on the coding strand, the complement: MTOR is on the minus strand). VCF-style: chr1-11139543-C-T. GRCh37 (hg19) VCF-style: chr1-11199600-C-T.
Other names: c.4988G>A, p.Ser1663Asn (NM_001386500.1); c.3740G>A, p.Ser1247Asn (NM_001386501.1); c.4988G>A (NM_004958.3); short protein forms S1247N, S1663N.
Identifiers: ClinVar variation 1053720 (VCV001053720.16), dbSNP rs199682978, ClinGen allele CA589490.